The following is an entry in ClinVar:

ClinVar aggregate classification (germline): Uncertain significance. Review status: criteria provided, multiple submitters, no conflicts (2 of 4 stars). 2 submissions from 2 submitters: Uncertain significance (2). Last evaluated 2025-08-14.

Conditions:
Inborn genetic diseases. Identifiers: MedGen C0950123, MeSH D030342.
TJP2-related disorder. Also called: TJP2-related condition.

Allele frequency attached by ClinVar (database versions not stated): TOPMed 0.00002; gnomAD 0.00003; gnomAD exomes 0.00004; ExAC 0.00006.
gnomAD v4.1: 61 of 1,614,050 alleles (0.0038%); highest among the groups gnomAD compares: South Asian, 0.041%; 1 homozygote.

Submissions (2):

Ambry Genetics
Classification: Uncertain significance for Inborn genetic diseases. Last evaluated: 2025-08-14. Review status: criteria provided, single submitter. Criteria: Ambry Variant Classification Scheme 2023. Collection method: clinical testing. Allele origin: germline.

PreventionGenetics, part of Exact Sciences
Classification: Uncertain significance for TJP2-related condition. Last evaluated: 2023-05-19. Review status: criteria provided, single submitter. Criteria: ACMG Guidelines, 2015. Collection method: clinical testing. Allele origin: germline.
Comment: The TJP2 c.1628C>T variant is predicted to result in the amino acid substitution p.Ser543Leu. To our knowledge, this variant has not been reported in the literature. This variant is reported in 0.042% of alleles in individuals of South Asian descent in gnomAD. At this time, the clinical significance of this variant is uncertain due to the absence of conclusive functional and genetic evidence.

NM_004817.4(TJP2):c.1628C>T (p.Ser543Leu)

Gene: TJP2 (tight junction protein 2; plus strand). Cytogenetic location: 9q21.11.
Variant type: single nucleotide variant.
Coding change: c.1628C>T on transcript NM_004817.4 (MANE Select); coding-DNA position 1628, C replaced by T.
Protein change: p.Ser543Leu; replaces serine 543 with leucine.
Molecular consequence: missense variant.
Genome position (GRCh38, 1-based): chr9:69,230,189, C>T. VCF-style: chr9-69230189-C-T. GRCh37 (hg19) VCF-style: chr9-71845105-C-T.
Other names: c.1559C>T, p.Ser520Leu (NM_001170414.2, NM_001369871.1); c.1640C>T, p.Ser547Leu (NM_001170415.1, NM_001369874.1, NM_001369875.1); c.1721C>T, p.Ser574Leu (NM_001170416.2); c.1553C>T, p.Ser518Leu (NM_001369870.1); c.1628C>T, p.Ser543Leu (NM_001369872.1, NM_001369873.1, NM_201629.3); short protein forms S543L, S547L, S574L, S518L, S520L.
Identifiers: ClinVar variation 2380126 (VCV002380126.4), dbSNP rs749639839, ClinGen allele CA5073379.
Genomic context (GRCh38, chr9:69,230,189, plus strand): 5'-TCCGGTTGGCTGGTGGCAATGATGTCGGGATATTTGTTGCTGGCATTCAAGAAGGGACCT[C>T]GGCGGAGCAGGAGGGCCTTCAAGAAGGAGACCAGATTCTGAAGGTAAGAACAGCCCAGCT-3'
Protein context (NP_004808.2, residues 533-553): IFVAGIQEGT[Ser543Leu]AEQEGLQEGD